The following is an entry in ClinVar:

ClinVar aggregate classification (germline): Benign. Review status: criteria provided, single submitter (1 of 4 stars). 6 submissions from 1 submitter: Benign (6). Last evaluated 2018-01-13.

Conditions:
Anophthalmia-microphthalmia syndrome. Also called: Anophthalmia/Microphthalmia; Anophthalmia - microphthalmia. Identifiers: Orphanet 98555, MedGen C5680330, MONDO:0020147.
11p partial monosomy syndrome (WAGR). Also called: WAGR Complex; CHROMOSOME 11p13 DELETION SYNDROME; WAGR syndrome; WAGR Spectrum Disorder. Identifiers: Orphanet 893, MedGen C0206115, MONDO:0008681, OMIM 194072.
Autosomal dominant keratitis. Also called: Keratitis, hereditary. Identifiers: Orphanet 2334, MedGen C1835698, MONDO:0007848, OMIM 148190.
Aniridia 1 (AN1). Identifiers: Orphanet 250923, MedGen C0344542, MONDO:0024507, OMIM 106210.
Foveal hypoplasia 1. Also called: FOVEAL HYPOPLASIA 1 WITH OR WITHOUT ANTERIOR SEGMENT ANOMALIES AND/OR CATARACT; FOVEAL HYPOPLASIA 1 WITH ANTERIOR SEGMENT ANOMALIES. Identifiers: Orphanet 2253, MedGen C3805604, MONDO:0007628, OMIM 136520.
carboxymethyl-dextran-A2-gadolinium-DOTA.

Allele frequency attached by ClinVar (database versions not stated): 1000 Genomes Project 0.00659; 1000 Genomes Project 30x 0.00703; gnomAD 0.00935 and 0.00868; gnomAD exomes 0.00185; TOPMed 0.00966.
gnomAD v4.1: 1,466 of 233,302 alleles (0.63%); highest among the groups gnomAD compares: African/African-American, 3%; 14 homozygotes.

Submissions (6):

Illumina Laboratory Services, Illumina
Classification: Benign for Aniridia 1. Last evaluated: 2018-01-13. Review status: criteria provided, single submitter. Criteria: ICSL Variant Classification Criteria 13 December 2019. Collection method: clinical testing. Allele origin: germline.
Comment: This variant was observed in the ICSL laboratory as part of a predisposition screen in an ostensibly healthy population. It had not been previously curated by ICSL or reported in the Human Gene Mutation Database (HGMD: prior to June 1st, 2018), and was therefore a candidate for classification through an automated scoring system. Utilizing variant allele frequency, disease prevalence and penetrance estimates, and inheritance mode, an automated score was calculated to assess if this variant is too frequent to cause the disease. Based on the score and internal cut-off values, a variant classified as benign is not then subjected to further curation. The score for this variant resulted in a classification of benign for this disease.

Illumina Laboratory Services, Illumina
Classification: Benign for Anophthalmia-microphthalmia syndrome. Last evaluated: 2018-01-13. Review status: criteria provided, single submitter. Criteria: ICSL Variant Classification Criteria 13 December 2019. Collection method: clinical testing. Allele origin: germline.
Comment: the same text as in the submission from Illumina Laboratory Services, Illumina above.

Illumina Laboratory Services, Illumina
Classification: Benign for Autosomal dominant keratitis. Last evaluated: 2018-01-13. Review status: criteria provided, single submitter. Criteria: ICSL Variant Classification Criteria 13 December 2019. Collection method: clinical testing. Allele origin: germline.
Comment: the same text as in the submission from Illumina Laboratory Services, Illumina above.

Illumina Laboratory Services, Illumina
Classification: Benign for carboxymethyl-dextran-A2-gadolinium-DOTA. Last evaluated: 2018-01-13. Review status: criteria provided, single submitter. Criteria: ICSL Variant Classification Criteria 13 December 2019. Collection method: clinical testing. Allele origin: germline.
Comment: the same text as in the submission from Illumina Laboratory Services, Illumina above.

Illumina Laboratory Services, Illumina
Classification: Benign for Foveal hypoplasia 1. Last evaluated: 2018-01-13. Review status: criteria provided, single submitter. Criteria: ICSL Variant Classification Criteria 13 December 2019. Collection method: clinical testing. Allele origin: germline.
Comment: the same text as in the submission from Illumina Laboratory Services, Illumina above.

Illumina Laboratory Services, Illumina
Classification: Benign for Wilms tumor, aniridia, genitourinary anomalies, and mental retardation syndrome. Last evaluated: 2018-01-13. Review status: criteria provided, single submitter. Criteria: ICSL Variant Classification Criteria 13 December 2019. Collection method: clinical testing. Allele origin: germline.
Comment: the same text as in the submission from Illumina Laboratory Services, Illumina above.

NM_000280.4(PAX6):c.*2559G>A

Genes: ELP4 (elongator acetyltransferase complex subunit 4; plus strand), PAX6 (paired box 6; minus strand). Cytogenetic location: 11p13.
Variant type: single nucleotide variant.
Coding change: c.*2559G>A on transcript NM_000280.4; 2559 bases downstream of the stop codon, G replaced by A.
Molecular consequence: 3 prime UTR variant (on NM_019040.5).
Genome position (GRCh38, 1-based): chr11:31,787,375, C>T on the plus strand (G>A on the coding strand, the complement: PAX6 is on the minus strand). VCF-style: chr11-31787375-C-T. GRCh37 (hg19) VCF-style: chr11-31808923-C-T.
Other names: c.*3837C>T (NM_001288725.2); c.*3946C>T (NM_001288726.2); c.*3851C>T (NM_019040.5).
Identifiers: ClinVar variation 878883 (VCV000878883.6), dbSNP rs141344418, ClinGen allele CA219477527.